The following is an entry in ClinVar:

ClinVar aggregate classification (germline): Likely benign. Review status: criteria provided, single submitter (1 of 4 stars). 2 submissions from 2 submitters: Likely benign (1). 1 of the submissions does not count toward it. Last evaluated 2024-04-17.

Conditions:
FRONTOTEMPORAL LOBAR DEGENERATION WITH TDP43 INCLUSIONS, TARDBP-RELATED. Also called: Frontotemporal lobar degeneration, TARDBP-related. Identifiers: MedGen C3150169, OMIM 612069.
Amyotrophic lateral sclerosis type 10 (ALS10). Also called: Amyotrophic lateral sclerosis 10, with or without FTD; AMYOTROPHIC LATERAL SCLEROSIS 10 WITHOUT FRONTOTEMPORAL DEMENTIA AND WITH TDP43 INCLUSIONS; AMYOTROPHIC LATERAL SCLEROSIS 10 WITH OR WITHOUT FRONTOTEMPORAL DEMENTIA AND WITH TDP43 INCLUSIONS; AMYOTROPHIC LATERAL SCLEROSIS 10 WITH OR WITHOUT FRONTOTEMPORAL DEMENTIA; TARDBP-Related Amyotrophic Lateral Sclerosis-Frontotemporal Dementia. Identifiers: Orphanet 275872, Orphanet 803, MedGen C2677565, MONDO:0012790, OMIM 612069.
TARDBP-related disorder. Also called: TARDBP-related condition.

Allele frequency attached by ClinVar (database versions not stated): ExAC 0.00001; gnomAD 0.00003; gnomAD exomes 0.00003 and 0.00004; TOPMed 0.00003; ESP Exome Variant Server 0.00015.
gnomAD v4.1: 64 of 1,614,064 alleles (0.004%); highest among the groups gnomAD compares: Non-Finnish European, 0.0053%; no homozygotes.

Submissions (2):

Labcorp Genetics (formerly Invitae), Labcorp
Classification: Likely benign for Amyotrophic lateral sclerosis type 10; FRONTOTEMPORAL LOBAR DEGENERATION WITH TDP43 INCLUSIONS, TARDBP-RELATED. Last evaluated: 2024-04-17. Review status: criteria provided, single submitter. Criteria: Invitae Variant Classification Sherloc (09022015). Collection method: clinical testing. Allele origin: germline.

PreventionGenetics, part of Exact Sciences
Classification: Likely benign for TARDBP-related condition. Last evaluated: 2020-09-02. Review status: no assertion criteria provided. Collection method: clinical testing. Allele origin: germline. Not counted in ClinVar's aggregate classification.
Comment: This variant is classified as likely benign based on ACMG/AMP sequence variant interpretation guidelines (Richards et al. 2015 PMID: 25741868, with internal and published modifications).

NM_007375.4(TARDBP):c.403-5T>C

Gene: TARDBP (TAR DNA binding protein; plus strand). Cytogenetic location: 1p36.22.
Variant type: single nucleotide variant.
Coding change: c.403-5T>C on transcript NM_007375.4 (MANE Select); 5 bases into the intron before coding-DNA position 403, T replaced by C.
Molecular consequence: intron variant.
Genome position (GRCh38, 1-based): chr1:11,018,728, T>C. VCF-style: chr1-11018728-T-C. GRCh37 (hg19) VCF-style: chr1-11078785-T-C.
Other names: c.403-5T>C (NM_007375.3).
Identifiers: ClinVar variation 1571680 (VCV001571680.10), dbSNP rs372872536, ClinGen allele CA586376.